The following is an entry in ClinVar:

NM_000435.3(NOTCH3):c.200G>T (p.Cys67Phe)

Gene: NOTCH3 (notch receptor 3; minus strand). Cytogenetic location: 19p13.12.
Variant type: single nucleotide variant.
Coding change: c.200G>T on transcript NM_000435.3 (MANE Select); coding-DNA position 200, G replaced by T.
Protein change: p.Cys67Phe; replaces cysteine 67 with phenylalanine.
Molecular consequence: missense variant.
Genome position (GRCh38, 1-based): chr19:15,192,517, C>A on the plus strand (G>T on the coding strand, the complement: NOTCH3 is on the minus strand). VCF-style: chr19-15192517-C-A. GRCh37 (hg19) VCF-style: chr19-15303328-C-A.
Other names: short protein forms C67F.
Identifiers: ClinVar variation 447806 (VCV000447806.8), dbSNP rs1555729615, ClinGen allele CA404535226.

ClinVar aggregate classification (germline): Pathogenic/Likely pathogenic. Review status: criteria provided, multiple submitters, no conflicts (2 of 4 stars). 3 submissions from 3 submitters: Pathogenic (1); Likely pathogenic (2). Last evaluated 2025-06-01.

Conditions:
Cerebral arteriopathy, autosomal dominant, with subcortical infarcts and leukoencephalopathy, type 1 (CADASIL1). Also called: CADASIL 1; CASIL; Cerebral arteriopathy with subcortical infarcts and leukoencephalopathy 1; DEMENTIA, HEREDITARY MULTIINFARCT TYPE. Identifiers: Orphanet 136, MedGen C4551768, MONDO:0000914, OMIM 125310.

Submissions (3):

Variantyx, Inc.
Classification: Likely pathogenic for Cerebral arteriopathy, autosomal dominant, with subcortical infarcts and leukoencephalopathy, type 1. Last evaluated: 2025-06-01. Review status: criteria provided, single submitter. Criteria: Variantyx Assertion Criteria 2022. Collection method: clinical testing. Allele origin: germline. Inheritance: Autosomal dominant inheritance. Affected: yes.
Comment: This is a nonsynonymous variant in the NOTCH3 gene (OMIM: 600276). Pathogenic variants in this gene have been associated with autosomal dominant cerebral arteriopathy with subcortical infarcts and leukoencephalopathy 1. This variant has been reported in at least 2 unrelated affected individuals (PMID: 31418856; Invitae, personal communication) (PS4_Moderate). Multiple computational algorithms predict a deleterious effect for this variant (REVEL score: 0.964) (PP3) adn two alternate amino acid changes at this position (p.Cys67Ser, p.Cys67Tyr) have been previously reported in similarly affected individuals, which suggests that this residue is biologically important (PMID: 12589106, 19174371) (PM5_Supporting). This variant is absent from control populations (PM2). Based on the current evidence, this variant is classified as likely pathogenic for autosomal dominant cerebral arteriopathy with subcortical infarcts and leukoencephalopathy 1.

Labcorp Genetics (formerly Invitae), Labcorp
Classification: Likely pathogenic. Last evaluated: 2024-12-31. Review status: criteria provided, single submitter. Criteria: Invitae Variant Classification Sherloc (09022015). Collection method: clinical testing. Allele origin: germline.
Comment: This sequence change replaces cysteine, which is neutral and slightly polar, with phenylalanine, which is neutral and non-polar, at codon 67 of the NOTCH3 protein (p.Cys67Phe). This variant is not present in population databases (gnomAD no frequency). This missense change has been observed in individuals with cerebral arteriopathy with subcortical infarcts and leukoencephalopathy 1 (CADASIL) (PMID: 31418856; internal data). ClinVar contains an entry for this variant (Variation ID: 447806). An algorithm developed to predict the effect of missense changes on protein structure and function (PolyPhen-2) suggests that this variant is likely to be disruptive. This variant disrupts the p.Cys67 amino acid residue in NOTCH3. Other variant(s) that disrupt this residue have been observed in individuals with NOTCH3-related conditions (PMID: 12589106, 19174371), which suggests that this may be a clinically significant amino acid residue. In summary, the currently available evidence indicates that the variant is pathogenic, but additional data are needed to prove that conclusively. Therefore, this variant has been classified as Likely Pathogenic.

Athena Diagnostics
Classification: Pathogenic. Last evaluated: 2023-08-07. Review status: criteria provided, single submitter. Criteria: Athena Diagnostics Criteria. Collection method: clinical testing. Allele origin: unknown.
Comment: This variant has been identified in at least one individual with clinical features associated with CADASIL. This variant has not been reported in large, multi-ethnic general populations. This variant alters a critical location within the protein, and is expected to severely affect function and cause disease. Greater than 90% of NOTCH3 pathogenic variants associated with CADASIL involve the gain or loss of a cysteine residue within the epidermal growth factor (EGF)-like repeat domain (PMID: 32457593, 20301673).

Literature cited by the submitters: PubMed 31418856 (cited by 3 submitters); PubMed 1589106 (cited by Variantyx, Inc.); PubMed 19174371 (cited by Variantyx, Inc. and Labcorp Genetics (formerly Invitae), Labcorp); PubMed 12589106 (cited by Labcorp Genetics (formerly Invitae), Labcorp).